The following is an entry in ClinVar:

NM_006947.4(SRP72):c.622C>T (p.Arg208Cys)

Gene: SRP72 (signal recognition particle 72; plus strand). Cytogenetic location: 4q12.
Variant type: single nucleotide variant.
Coding change: c.622C>T on transcript NM_006947.4 (MANE Select); coding-DNA position 622, C replaced by T.
Protein change: p.Arg208Cys; replaces arginine 208 with cysteine.
Molecular consequence: missense variant. On other transcripts: non-coding transcript variant (1).
Genome position (GRCh38, 1-based): chr4:56,476,682, C>T. VCF-style: chr4-56476682-C-T. GRCh37 (hg19) VCF-style: chr4-57342848-C-T.
Other names: c.622C>T, p.Arg208Cys (NM_001267722.2); short protein forms R208C.
Identifiers: ClinVar variation 1336342 (VCV001336342.17), dbSNP rs375436807, ClinGen allele CA2931135.

ClinVar aggregate classification (germline): Uncertain significance. Review status: criteria provided, multiple submitters, no conflicts (2 of 4 stars). 5 submissions from 5 submitters: Uncertain significance (5). Last evaluated 2026-01-27.

Conditions:
Autosomal dominant aplasia and myelodysplasia. Also called: Bone marrow failure syndrome 1. Identifiers: Orphanet 314399, MedGen C3808553, MONDO:0013851, OMIM 614675.

Allele frequency attached by ClinVar (database versions not stated): ESP Exome Variant Server 0.00008; gnomAD 0.00011 and 0.00013; TOPMed 0.00016; gnomAD exomes 0.00017 and 0.00021; ExAC 0.00026; 1000 Genomes Project 0.00040; 1000 Genomes Project 30x 0.00047.
gnomAD v4.1: 272 of 1,612,328 alleles (0.017%); highest among the groups gnomAD compares: South Asian, 0.068%; no homozygotes.

Submissions (5):

Labcorp Genetics (formerly Invitae), Labcorp
Classification: Uncertain significance. Last evaluated: 2026-01-27. Review status: criteria provided, single submitter. Criteria: Invitae Variant Classification Sherloc (09022015). Collection method: clinical testing. Allele origin: germline.
Comment: This sequence change replaces arginine, which is basic and polar, with cysteine, which is neutral and slightly polar, at codon 208 of the SRP72 protein (p.Arg208Cys). This variant is present in population databases (rs375436807, gnomAD 0.07%), and has an allele count higher than expected for a pathogenic variant. This variant has not been reported in the literature in individuals affected with SRP72-related conditions. ClinVar contains an entry for this variant (Variation ID: 1336342). Invitae Evidence Modeling of protein sequence and biophysical properties (such as structural, functional, and spatial information, amino acid conservation, physicochemical variation, residue mobility, and thermodynamic stability) indicates that this missense variant is not expected to disrupt SRP72 protein function with a negative predictive value of 80%. In summary, the available evidence is currently insufficient to determine the role of this variant in disease. Therefore, it has been classified as a Variant of Uncertain Significance.

Ambry Genetics
Classification: Uncertain significance. Last evaluated: 2025-04-29. Review status: criteria provided, single submitter. Criteria: Ambry Variant Classification Scheme 2023. Collection method: clinical testing. Allele origin: germline.

Fulgent Genetics
Classification: Uncertain significance for Autosomal dominant aplasia and myelodysplasia. Last evaluated: 2024-02-21. Review status: criteria provided, single submitter. Criteria: ACMG Guidelines, 2015. Collection method: clinical testing. Allele origin: germline.

GeneDx
Classification: Uncertain significance. Last evaluated: 2023-12-22. Review status: criteria provided, single submitter. Criteria: GeneDx Variant Classification Process June 2021. Collection method: clinical testing. Allele origin: germline. Affected: yes.
Comment: In silico analysis supports that this missense variant has a deleterious effect on protein structure/function; Has not been previously published as pathogenic or benign to our knowledge

Genetic Services Laboratory, University of Chicago
Classification: Uncertain significance. Last evaluated: 2019-12-17. Review status: criteria provided, single submitter. Criteria: ACMG Guidelines, 2015. Collection method: clinical testing. Allele origin: germline. Affected: no.
Comment: DNA sequence analysis of the SRP72 gene demonstrated a sequence change, c.622C>T, in exon 6 that results in an amino acid change, p.Arg208Cys. This sequence change does not appear to have been previously described in patients with SRP72-related disorders and has been described in the gnomAD database with a frequency of 0.062% in South Asian populations (dbSNP rs375436807). The p.Arg208Cys change affects a poorly conserved amino acid residue located in a domain of the SRP72 protein that is known to be functional. In-silico pathogenicity prediction tools (SIFT, PolyPhen2, Align GVGD, REVEL) provide contradictory results for the p.Arg208Cys substitution. Due to these contrasting evidences and the lack of functional studies, the clinical significance of the p.Arg208Cys change remains unknown at this time.